The following is an entry in ClinVar:

ClinVar aggregate classification (germline): Uncertain significance (1 of 4 stars; one submission).

Conditions:
Baller-Gerold syndrome (BGS). Also called: CRANIOSYNOSTOSIS WITH RADIAL DEFECTS. Identifiers: Orphanet 1225, MedGen C0265308, MONDO:0009039, OMIM 218600.

Allele frequency attached by ClinVar (database versions not stated): ExAC below 0.00001; gnomAD 0.00001; TOPMed 0.00001.
gnomAD v4.1: 15 of 1,569,804 alleles (0.00096%); highest among the groups gnomAD compares: Non-Finnish European, 0.0011%; no homozygotes.

Submission:

Labcorp Genetics (formerly Invitae), Labcorp
Classification: Uncertain significance for Baller-Gerold syndrome. Last evaluated: 2024-07-11. Review status: criteria provided, single submitter. Criteria: Invitae Variant Classification Sherloc (09022015). Collection method: clinical testing. Allele origin: germline.
Comment: This sequence change replaces glutamic acid, which is acidic and polar, with glycine, which is neutral and non-polar, at codon 660 of the RECQL4 protein (p.Glu660Gly). This variant is not present in population databases (gnomAD no frequency). This variant has not been reported in the literature in individuals affected with RECQL4-related conditions. ClinVar contains an entry for this variant (Variation ID: 406911). Advanced modeling of protein sequence and biophysical properties (such as structural, functional, and spatial information, amino acid conservation, physicochemical variation, residue mobility, and thermodynamic stability) performed at Invitae indicates that this missense variant is not expected to disrupt RECQL4 protein function with a negative predictive value of 80%. In summary, the available evidence is currently insufficient to determine the role of this variant in disease. Therefore, it has been classified as a Variant of Uncertain Significance.

NM_004260.4(RECQL4):c.1979A>G (p.Glu660Gly)

Gene: RECQL4 (RecQ like helicase 4; minus strand). Cytogenetic location: 8q24.3.
Variant type: single nucleotide variant.
Coding change: c.1979A>G on transcript NM_004260.4 (MANE Select); coding-DNA position 1979, A replaced by G.
Protein change: p.Glu660Gly; replaces glutamic acid 660 with glycine.
Molecular consequence: missense variant.
Genome position (GRCh38, 1-based): chr8:144,514,007, T>C on the plus strand (A>G on the coding strand, the complement: RECQL4 is on the minus strand). VCF-style: chr8-144514007-T-C. GRCh37 (hg19) VCF-style: chr8-145739391-T-C.
Other names: short protein forms E660G.
Identifiers: ClinVar variation 406911 (VCV000406911.6), dbSNP rs762667669, ClinGen allele CA4948553.
Genomic context (GRCh38, chr8:144,514,007, plus strand): 5'-ATGGACACGGAAAGGTGCAGGTTGGTGGGAACTGGGGCTGGCCCGTGGAGGTCAGGCTCT[T>C]CAGCCACAGCCAGGTGCTGTGCCACGTCACTGGCAGTGCGGCGTGTGGCTGTGGCTGTGA-3'
Protein context (NP_004251.4, residues 650-670): SDVAQHLAVA[Glu660Gly]EPDLHGPAPV